The following is an entry in ClinVar:

ClinVar aggregate classification (germline): other (0 of 4 stars; one submission).

Conditions:
Familial colorectal cancer. Identifiers: MedGen CN280943, MONDO:0023113. Disease mechanism: loss of function.

Allele frequency attached by ClinVar (database versions not stated): gnomAD 0.38781 and 0.40067; TOPMed 0.40404; 1000 Genomes Project 30x 0.42911; 1000 Genomes Project 0.43490.
gnomAD v4.1: 60,995 of 151,786 alleles (40%); highest among the groups gnomAD compares: East Asian, 66%; 14,771 homozygotes.

Submission:

Systems Biology Platform Zhejiang California International NanoSystems Institute
Classification: other for Familial colorectal cancer. Review status: no assertion criteria provided. Collection method: not provided. Allele origin: unknown.
ClinVar note: Converted during submission from cancer to other.

NM_000038.6(APC):c.422+3971G>A

Gene: APC (APC regulator of WNT signaling pathway; plus strand). Cytogenetic location: 5q22.2.
Variant type: single nucleotide variant.
Coding change: c.422+3971G>A on transcript NM_000038.6 (MANE Select); 3971 bases into the intron after coding-DNA position 422, G replaced by A.
Molecular consequence: intron variant.
Genome position (GRCh38, 1-based): chr5:112,771,361, G>A. VCF-style: chr5-112771361-G-A. GRCh37 (hg19) VCF-style: chr5-112107058-G-A.
Other names: c.422+3971G>A (NM_001354895.2, NM_001127510.3, NM_001354896.2 and 2 more transcripts); c.452+3971G>A (NM_001354897.2, NM_001354902.2, NM_001127511.3); c.347+3971G>A (NM_001354898.2, NM_001354904.2); c.-614+3971G>A (NM_001354906.2); c.245+3971G>A (NM_001354900.2, NM_001354901.2, NM_001354905.2).
Identifiers: ClinVar variation 82887 (VCV000082887.2), dbSNP rs11241185, ClinGen allele CA009099.
Genomic context (GRCh38, chr5:112,771,361, plus strand): 5'-GTTTCATTTTATTCATAAATAAATTTTTATTGGAGCCAATGAATTTTTCTGATCTAATTT[G>A]TACCATTTGCTTCCTGAGCCTGCTACAAGACTGTCATACCACTGTTGTCATTATGCTTCC-3'